The following is an entry in ClinVar:

NM_001292063.2(OTOG):c.7062T>C (p.Ser2354=)

Gene: OTOG (otogelin; plus strand). Cytogenetic location: 11p15.1.
Variant type: single nucleotide variant.
Coding change: c.7062T>C on transcript NM_001292063.2 (MANE Select); coding-DNA position 7062, T replaced by C.
Protein change: p.Ser2354=; no amino-acid change (serine 2354 retained).
Molecular consequence: synonymous variant.
Genome position (GRCh38, 1-based): chr11:17,632,216, T>C. VCF-style: chr11-17632216-T-C. GRCh37 (hg19) VCF-style: chr11-17653763-T-C.
Other names: p.Ser2366=; c.7098T>C, p.Ser2366= (NM_001277269.2).
Identifiers: ClinVar variation 226905 (VCV000226905.18), dbSNP rs7114549, ClinGen allele CA5906094.

ClinVar aggregate classification (germline): Benign. Review status: criteria provided, multiple submitters, no conflicts (2 of 4 stars). 7 submissions from 7 submitters: Benign (6). 1 of the submissions does not count toward it. Last evaluated 2026-02-04.

Conditions:
OTOG-related disorder. Also called: OTOG-related condition.

Allele frequency attached by ClinVar (database versions not stated): gnomAD exomes 0.01004 and 0.02195; gnomAD 0.03608 and 0.03716; TOPMed 0.03758; ExAC 0.04651; 1000 Genomes Project 30x 0.06855; 1000 Genomes Project 0.06929.
gnomAD v4.1: 19,990 of 1,550,302 alleles (1.3%); highest among the groups gnomAD compares: African/African-American, 11%; 927 homozygotes.

Submissions (7):

Labcorp Genetics (formerly Invitae), Labcorp
Classification: Benign. Last evaluated: 2026-02-04. Review status: criteria provided, single submitter. Criteria: Invitae Variant Classification Sherloc (09022015). Collection method: clinical testing. Allele origin: germline.

Mayo Clinic Laboratories, Mayo Clinic
Classification: Benign. Last evaluated: 2022-04-17. Review status: criteria provided, single submitter. Criteria: ACMG Guidelines, 2015. Collection method: clinical testing. Allele origin: germline. Observed: 5 variant alleles.

Athena Diagnostics
Classification: Benign. Last evaluated: 2018-11-12. Review status: criteria provided, single submitter. Criteria: Athena Diagnostics Criteria. Collection method: clinical testing. Allele origin: germline.

GeneDx
Classification: Benign. Last evaluated: 2017-10-09. Review status: criteria provided, single submitter. Criteria: GeneDx Variant Classification (06012015). Collection method: clinical testing. Allele origin: germline. Affected: yes.
Comment: This variant is considered likely benign or benign based on one or more of the following criteria: it is a conservative change, it occurs at a poorly conserved position in the protein, it is predicted to be benign by multiple in silico algorithms, and/or has population frequency not consistent with disease.

Laboratory for Molecular Medicine, Mass General Brigham Personalized Medicine
Classification: Benign. Last evaluated: 2014-11-24. Review status: criteria provided, single submitter. Criteria: LMM Criteria. Collection method: clinical testing. Allele origin: germline. Observed: 41 variant alleles.
Comment: Ser2366Ser in exon 41 of OTOG: This variant is not expected to have clinical sig nificance because it does not alter an amino acid residue and is not located wit hin the splice consensus sequence. It has been identified in 9.8% (19/194) of Lu hya (Kenyan) chromosomes from a broad population by the 1000 Genomes Project (dbSNP rs7114549).

Breakthrough Genomics
Classification: Benign. Review status: criteria provided, single submitter. Criteria: ACMG Guidelines, 2015. Collection method: not provided. Allele origin: germline. Inheritance: Autosomal recessive inheritance. Affected: yes.

PreventionGenetics, part of Exact Sciences
Classification: Benign for OTOG-related condition. Last evaluated: 2019-06-15. Review status: no assertion criteria provided. Collection method: clinical testing. Allele origin: germline. Not counted in ClinVar's aggregate classification.
Comment: This variant is classified as benign based on ACMG/AMP sequence variant interpretation guidelines (Richards et al. 2015 PMID: 25741868, with internal and published modifications).